The following is an entry in ClinVar:

ClinVar aggregate classification (germline): Uncertain significance (1 of 4 stars; one submission).

gnomAD v4.1: 1 of 1,611,072 alleles (0.000062%); highest among the groups gnomAD compares: East Asian, 0.0022%; no homozygotes.

Submission:

GeneDx
Classification: Uncertain significance. Last evaluated: 2025-04-12. Review status: criteria provided, single submitter. Criteria: GeneDx Variant Classification Process June 2021. Collection method: clinical testing. Allele origin: germline. Affected: yes.
Comment: Not observed at significant frequency in large population cohorts (gnomAD); In silico analysis supports that this missense variant has a deleterious effect on protein structure/function; Has not been previously published as pathogenic or benign to our knowledge

NM_001739.2(CA5A):c.434T>C (p.Val145Ala)

Gene: CA5A (carbonic anhydrase 5A; minus strand). Cytogenetic location: 16q24.2.
Variant type: single nucleotide variant.
Coding change: c.434T>C on transcript NM_001739.2 (MANE Select); coding-DNA position 434, T replaced by C.
Protein change: p.Val145Ala; replaces valine 145 with alanine.
Molecular consequence: missense variant. On other transcripts: non-coding transcript variant (1).
Genome position (GRCh38, 1-based): chr16:87,904,811, A>G on the plus strand (T>C on the coding strand, the complement: CA5A is on the minus strand). VCF-style: chr16-87904811-A-G. GRCh37 (hg19) VCF-style: chr16-87938417-A-G.
Other names: c.434T>C, p.Val145Ala (NM_001367225.1); short protein forms V145A.
Identifiers: ClinVar variation 4282195 (VCV004282195.1).